The following is an entry in ClinVar:

ClinVar aggregate classification (germline): Likely pathogenic (1 of 4 stars; one submission).

Conditions:
CDH2-related disorder. Also called: CDH2-related condition.

Submission:

PreventionGenetics, part of Exact Sciences
Classification: Likely pathogenic for CDH2-related condition. Last evaluated: 2025-04-03. Review status: criteria provided, single submitter. Criteria: ACMG Guidelines, 2015. Collection method: clinical testing. Allele origin: germline.
Comment: The CDH2 c.656T>C variant is predicted to result in the amino acid substitution p.Leu219Pro. To our knowledge, this variant has not been reported in the literature or in a large population database (gnomAD), indicating it is rare. This variant is interpreted as likely pathogenic.

NM_001792.5(CDH2):c.656T>C (p.Leu219Pro)

Gene: CDH2 (cadherin 2; minus strand). Cytogenetic location: 18q12.1.
Variant type: single nucleotide variant.
Coding change: c.656T>C on transcript NM_001792.5 (MANE Select); coding-DNA position 656, T replaced by C.
Protein change: p.Leu219Pro; replaces leucine 219 with proline.
Molecular consequence: missense variant.
Genome position (GRCh38, 1-based): chr18:28,009,763, A>G on the plus strand (T>C on the coding strand, the complement: CDH2 is on the minus strand). VCF-style: chr18-28009763-A-G. GRCh37 (hg19) VCF-style: chr18-25589727-A-G.
Other names: c.563T>C, p.Leu188Pro (NM_001308176.2); c.656T>C (NM_001792.4); short protein forms L188P, L219P.
Identifiers: ClinVar variation 4857860 (VCV004857860.1).
Genomic context (GRCh38, chr18:28,009,763, plus strand): 5'-GGTTGGAATCTTACATGAAACCGGGCTATCTGCTCGCGATCCAGGGGCTTTGTCACCGAC[A>G]GCTGACCCGAGATGGGGTTGATAATGAAGATACCAGTTGGAGGCTGGTCAGCTCCTGGCC-3'
Protein context (NP_001783.2, residues 209-229): IFIINPISGQ[Leu219Pro]SVTKPLDREQ